The following is an entry in ClinVar:

ClinVar aggregate classification (germline): Pathogenic. Review status: criteria provided, multiple submitters, no conflicts (2 of 4 stars). 2 submissions from 2 submitters: Pathogenic (2). Last evaluated 2024-06-22.

Conditions:
Diamond-Blackfan anemia. Also called: Aase syndrome; Blackfan Diamond syndrome; Aregenerative anemia chronic congenital; Red cell aplasia, pure hereditary; Congenital hypoplastic anemia. Identifiers: Orphanet 124, MedGen C1260899, MeSH D029503, MONDO:0015253, HP:0004810.

Submissions (2):

GeneDx
Classification: Pathogenic. Last evaluated: 2024-06-22. Review status: criteria provided, single submitter. Criteria: GeneDx Variant Classification Process June 2021. Collection method: clinical testing. Allele origin: germline. Affected: yes.
Comment: Identified in a cohort of individuals with a clinical diagnosis of Diamond-Blackfan anemia and referred to as chr1:24019152:CTG>C (PMID: 30503522); Frameshift variant predicted to result in protein truncation or nonsense mediated decay in a gene for which loss of function is a known mechanism of disease; Not observed at significant frequency in large population cohorts (gnomAD); This variant is associated with the following publications: (PMID: 30503522, 19773262)

Labcorp Genetics (formerly Invitae), Labcorp
Classification: Pathogenic for Diamond-Blackfan anemia. Last evaluated: 2023-08-18. Review status: criteria provided, single submitter. Criteria: Invitae Variant Classification Sherloc (09022015). Collection method: clinical testing. Allele origin: germline.
Comment: This sequence change creates a premature translational stop signal (p.Cys21Serfs*33) in the RPL11 gene. It is expected to result in an absent or disrupted protein product. Loss-of-function variants in RPL11 are known to be pathogenic (PMID: 19061985, 19773262). This variant is not present in population databases (gnomAD no frequency). This premature translational stop signal has been observed in individual(s) with clinical features of Diamond-Blackfan anemia (PMID: 30503522). ClinVar contains an entry for this variant (Variation ID: 643018). For these reasons, this variant has been classified as Pathogenic.

Literature cited by the submitters: PubMed 19061985 (cited by Labcorp Genetics (formerly Invitae), Labcorp); PubMed 19773262 (cited by Labcorp Genetics (formerly Invitae), Labcorp); PubMed 30503522 (cited by Labcorp Genetics (formerly Invitae), Labcorp).

NM_000975.5(RPL11):c.62_63del (p.Cys21fs)

Gene: RPL11 (ribosomal protein L11; plus strand). Cytogenetic location: 1p36.11.
Variant type: Deletion.
Coding change: c.62_63del on transcript NM_000975.5 (MANE Select); coding-DNA positions 62 to 63, 2 bases deleted (GT; older notation c.62_63delGT).
Protein change: p.Cys21fs; shifts the reading frame from cysteine 21.
Molecular consequence: frameshift variant.
Genome position (GRCh38, 1-based): chr1:23,692,664-23,692,665, GT deleted; deleting any 2 consecutive bases within chr1:23,692,663-23,692,665 gives the same sequence; the c. name uses the placement nearest the transcript's 3' end. VCF-style (leftmost placement, unchanged base first): chr1-23692662-CTG-C. GRCh37 (hg19) VCF-style: chr1-24019152-CTG-C.
Other names: c.59_60del, p.Cys20fs (NM_001199802.1); c.62_63del, p.Cys21fs (LRG_1140t1); c.62_63delGT (NM_000975.3); c.62_63del (NM_000975.3); short protein forms C21fs, C20fs.
Identifiers: ClinVar variation 643018 (VCV000643018.8), dbSNP rs1570566592, ClinGen allele CA915941173.